The following is an entry in ClinVar:

ClinVar aggregate classification (germline): Uncertain significance (1 of 4 stars; one submission).

Conditions:
Cholestanol storage disease (CTX). Also called: CEREBRAL CHOLESTERINOSIS; CTX: Cerebrotendinous xanthomatosis; Cerebrotendinous Xanthomatosis. Identifiers: Orphanet 909, MedGen C0238052, MONDO:0008948, OMIM 213700.

Submission:

Labcorp Genetics (formerly Invitae), Labcorp
Classification: Uncertain significance for Cholestanol storage disease. Last evaluated: 2022-06-24. Review status: criteria provided, single submitter. Criteria: Invitae Variant Classification Sherloc (09022015). Collection method: clinical testing. Allele origin: germline.
Comment: In summary, the available evidence is currently insufficient to determine the role of this variant in disease. Therefore, it has been classified as a Variant of Uncertain Significance. Advanced modeling of protein sequence and biophysical properties (such as structural, functional, and spatial information, amino acid conservation, physicochemical variation, residue mobility, and thermodynamic stability) performed at Invitae indicates that this missense variant is expected to disrupt CYP27A1 protein function. This variant has not been reported in the literature in individuals affected with CYP27A1-related conditions. This variant is not present in population databases (gnomAD no frequency). This sequence change replaces proline, which is neutral and non-polar, with alanine, which is neutral and non-polar, at codon 446 of the CYP27A1 protein (p.Pro446Ala).

NM_000784.4(CYP27A1):c.1336C>G (p.Pro446Ala)

Gene: CYP27A1 (cytochrome P450 family 27 subfamily A member 1; plus strand). Cytogenetic location: 2q35.
Variant type: single nucleotide variant.
Coding change: c.1336C>G on transcript NM_000784.4 (MANE Select); coding-DNA position 1336, C replaced by G.
Protein change: p.Pro446Ala; replaces proline 446 with alanine.
Molecular consequence: missense variant.
Genome position (GRCh38, 1-based): chr2:218,814,617, C>G. VCF-style: chr2-218814617-C-G. GRCh37 (hg19) VCF-style: chr2-219679340-C-G.
Other names: short protein forms P446A.
Identifiers: ClinVar variation 1359575 (VCV001359575.8), dbSNP rs753166698, ClinGen allele CA350594262.